The following is an entry in ClinVar:

NM_001289808.2(CRYAB):c.56C>A (p.Ser19Tyr)

Gene: CRYAB (crystallin alpha B; minus strand). Cytogenetic location: 11q23.1.
Variant type: single nucleotide variant.
Coding change: c.56C>A on transcript NM_001289808.2 (MANE Select); coding-DNA position 56, C replaced by A.
Protein change: p.Ser19Tyr; replaces serine 19 with tyrosine.
Molecular consequence: missense variant.
Genome position (GRCh38, 1-based): chr11:111,911,669, G>T on the plus strand (C>A on the coding strand, the complement: CRYAB is on the minus strand). VCF-style: chr11-111911669-G-T. GRCh37 (hg19) VCF-style: chr11-111782393-G-T.
Other names: c.56C>A, p.Ser19Tyr (NM_001289807.1, NM_001368245.1, NM_001885.3); short protein forms S19Y.
Identifiers: ClinVar variation 2823772 (VCV002823772.3), dbSNP rs537074990, ClinGen allele CA6275581.

ClinVar aggregate classification (germline): Uncertain significance (1 of 4 stars; one submission).

Conditions:
Dilated cardiomyopathy 1II (CMD1II). Identifiers: Orphanet 154, MedGen C3554649, MONDO:0014073, OMIM 615184.

Allele frequency attached by ClinVar (database versions not stated): ExAC 0.00001; gnomAD 0.00001; 1000 Genomes Project 30x 0.00016; 1000 Genomes Project 0.00020.

Submission:

Labcorp Genetics (formerly Invitae), Labcorp
Classification: Uncertain significance for Dilated cardiomyopathy 1II. Last evaluated: 2023-07-13. Review status: criteria provided, single submitter. Criteria: Invitae Variant Classification Sherloc (09022015). Collection method: clinical testing. Allele origin: germline.
Comment: An algorithm developed to predict the effect of missense changes on protein structure and function (PolyPhen-2) suggests that this variant is likely to be tolerated. In summary, the available evidence is currently insufficient to determine the role of this variant in disease. Therefore, it has been classified as a Variant of Uncertain Significance. Algorithms developed to predict the effect of sequence changes on RNA splicing suggest that this variant may disrupt the consensus splice site. This variant has not been reported in the literature in individuals affected with CRYAB-related conditions. The frequency data for this variant in the population databases is considered unreliable, as metrics indicate poor data quality at this position in the gnomAD database. This sequence change replaces serine, which is neutral and polar, with tyrosine, which is neutral and polar, at codon 19 of the CRYAB protein (p.Ser19Tyr).